The following is an entry in ClinVar:

NM_001048174.2(MUTYH):c.1000G>C (p.Ala334Pro)

Gene: MUTYH (mutY DNA glycosylase; minus strand). Cytogenetic location: 1p34.1.
Variant type: single nucleotide variant.
Coding change: c.1000G>C on transcript NM_001048174.2 (MANE Select); coding-DNA position 1000, G replaced by C.
Protein change: p.Ala334Pro; replaces alanine 334 with proline.
Molecular consequence: missense variant. On other transcripts: non-coding transcript variant (7).
Genome position (GRCh38, 1-based): chr1:45,331,763, C>G on the plus strand (G>C on the coding strand, the complement: MUTYH is on the minus strand). VCF-style: chr1-45331763-C-G. GRCh37 (hg19) VCF-style: chr1-45797435-C-G.
Other names: c.1000G>C, p.Ala334Pro (NM_001048171.2, NM_001048173.2, NM_001293195.2 and 6 more transcripts); c.1003G>C, p.Ala335Pro (NM_001048172.2, NM_001407086.1, NM_001407071.1 and 1 more transcripts); c.1084G>C, p.Ala362Pro (NM_001128425.2); c.1045G>C, p.Ala349Pro (NM_001293190.2); c.1033G>C, p.Ala345Pro (NM_001293191.2, NM_001407069.1, NM_001407077.1); c.724G>C, p.Ala242Pro (NM_001293192.2, NM_001293196.2, NM_001407091.1); c.961G>C, p.Ala321Pro (NM_001407079.1); c.958G>C, p.Ala320Pro (NM_001407080.1); and 5 more; short protein forms A306P, A320P, A321P, A341P, A242P, A345P, A219P, A334P.
Identifiers: ClinVar variation 4112998 (VCV004112998.1).

ClinVar aggregate classification (germline): Uncertain significance (1 of 4 stars; one submission).

Conditions:
Hereditary cancer-predisposing syndrome. Also called: Tumor predisposition; Neoplastic Syndromes, Hereditary; Hereditary neoplastic syndrome; Hereditary Cancer Syndrome. Identifiers: Orphanet 140162, MedGen C0027672, MeSH D009386, MONDO:0015356.

Submission:

Ambry Genetics
Classification: Uncertain significance for Hereditary cancer-predisposing syndrome. Last evaluated: 2025-08-27. Review status: criteria provided, single submitter. Criteria: Ambry Variant Classification Scheme 2023. Collection method: clinical testing. Allele origin: germline.
Comment: The p.A362P variant (also known as c.1084G>C), located in coding exon 12 of the MUTYH gene, results from a G to C substitution at nucleotide position 1084. The alanine at codon 362 is replaced by proline, an amino acid with highly similar properties. This amino acid position is conserved. In addition, this alteration is predicted to be tolerated by in silico analysis. Based on the available evidence, the clinical significance of this variant remains unclear.